The following is an entry in ClinVar:

ClinVar aggregate classification (germline): Likely benign. Review status: criteria provided, multiple submitters, no conflicts (2 of 4 stars). 2 submissions from 2 submitters: Likely benign (2). Last evaluated 2023-08-28.

Allele frequency attached by ClinVar (database versions not stated): gnomAD exomes below 0.00001; ExAC 0.00001; gnomAD 0.00001 and 0.00003; TOPMed 0.00003.
gnomAD v4.1: 10 of 1,612,978 alleles (0.00062%); highest among the groups gnomAD compares: Non-Finnish European, 0.00076%; no homozygotes.

Submissions (2):

Labcorp Genetics (formerly Invitae), Labcorp
Classification: Likely benign. Last evaluated: 2023-08-28. Review status: criteria provided, single submitter. Criteria: Invitae Variant Classification Sherloc (09022015). Collection method: clinical testing. Allele origin: germline.

GeneDx
Classification: Likely benign. Last evaluated: 2018-02-23. Review status: criteria provided, single submitter. Criteria: GeneDx Variant Classification (06012015). Collection method: clinical testing. Allele origin: germline. Affected: yes.
Comment: This variant is considered likely benign or benign based on one or more of the following criteria: it is a conservative change, it occurs at a poorly conserved position in the protein, it is predicted to be benign by multiple in silico algorithms, and/or has population frequency not consistent with disease.

NM_016239.4(MYO15A):c.4780-9A>C

Gene: MYO15A (myosin XVA; plus strand). Cytogenetic location: 17p11.2.
Variant type: single nucleotide variant.
Coding change: c.4780-9A>C on transcript NM_016239.4 (MANE Select); 9 bases into the intron before coding-DNA position 4780, A replaced by C.
Molecular consequence: intron variant.
Genome position (GRCh38, 1-based): chr17:18,137,575, A>C. VCF-style: chr17-18137575-A-C. GRCh37 (hg19) VCF-style: chr17-18040889-A-C.
Identifiers: ClinVar variation 515527 (VCV000515527.4), dbSNP rs768675087, ClinGen allele CA8424042.